The following is an entry in ClinVar:

NM_001003787.4(STRADA):c.28C>T (p.Arg10Ter)

Gene: STRADA (STE20 related adaptor alpha; minus strand). Cytogenetic location: 17q23.3.
Variant type: single nucleotide variant.
Coding change: c.28C>T on transcript NM_001003787.4 (MANE Select); coding-DNA position 28, C replaced by T.
Protein change: p.Arg10Ter; replaces arginine 10 with a stop codon.
Molecular consequence: nonsense. On other transcripts: 5 prime UTR variant (2), non-coding transcript variant (1), intron variant (5).
Genome position (GRCh38, 1-based): chr17:63,728,342, G>A on the plus strand (C>T on the coding strand, the complement: STRADA is on the minus strand). VCF-style: chr17-63728342-G-A. GRCh37 (hg19) VCF-style: chr17-61805702-G-A.
Other names: c.-118C>T (NM_001003788.3, NM_001363791.1); c.28C>T, p.Arg10Ter (NM_001165969.2, NM_001165970.2, NM_001363787.1 and 1 more transcripts); c.12+16C>T (NM_001363789.1, NM_001003786.3, NM_153335.6 and 1 more transcripts); c.-110+16C>T (NM_001363790.1); short protein forms R10*.
Identifiers: ClinVar variation 952543 (VCV000952543.7), dbSNP rs1387899682, ClinGen allele CA400596265.

ClinVar aggregate classification (germline): Pathogenic (1 of 4 stars; one submission).

Conditions:
Polyhydramnios, megalencephaly, and symptomatic epilepsy (PMSE). Also called: PMSE SYNDROME. Identifiers: Orphanet 500533, MedGen C1970203, MONDO:0012611, OMIM 611087.

Allele frequency attached by ClinVar (database versions not stated): gnomAD 0.00001; gnomAD exomes 0.00001; TOPMed 0.00002.
gnomAD v4.1: 8 of 1,612,874 alleles (0.0005%); highest among the groups gnomAD compares: Admixed American, 0.0084%; no homozygotes.

Submission:

Labcorp Genetics (formerly Invitae), Labcorp
Classification: Pathogenic for Polyhydramnios, megalencephaly, and symptomatic epilepsy. Last evaluated: 2025-09-15. Review status: criteria provided, single submitter. Criteria: Invitae Variant Classification Sherloc (09022015). Collection method: clinical testing. Allele origin: germline.
Comment: This sequence change creates a premature translational stop signal (p.Arg10*) in the STRADA gene. It is expected to result in an absent or disrupted protein product. Loss-of-function variants in STRADA are known to be pathogenic (PMID: 17522105, 27170158). This variant is present in population databases (no rsID available, gnomAD 0.009%). This variant has not been reported in the literature in individuals affected with STRADA-related conditions. ClinVar contains an entry for this variant (Variation ID: 952543). For these reasons, this variant has been classified as Pathogenic.

Literature cited by the submitters: PubMed 17522105; PubMed 27170158.